The following is an entry in ClinVar:

ClinVar aggregate classification (germline): Uncertain significance (1 of 4 stars; one submission).

Allele frequency attached by ClinVar (database versions not stated): TOPMed below 0.00001; ExAC 0.00001; gnomAD 0.00001; gnomAD exomes 0.00001.
gnomAD v4.1: 3 of 1,613,494 alleles (0.00019%); highest among the groups gnomAD compares: Non-Finnish European, 0.00025%; no homozygotes.

Submission:

Labcorp Genetics (formerly Invitae), Labcorp
Classification: Uncertain significance. Last evaluated: 2022-08-23. Review status: criteria provided, single submitter. Criteria: Invitae Variant Classification Sherloc (09022015). Collection method: clinical testing. Allele origin: germline.
Comment: In summary, the available evidence is currently insufficient to determine the role of this variant in disease. Therefore, it has been classified as a Variant of Uncertain Significance. This sequence change replaces isoleucine, which is neutral and non-polar, with valine, which is neutral and non-polar, at codon 1041 of the ABCC6 protein (p.Ile1041Val). This variant is present in population databases (rs772632852, gnomAD 0.0009%). This variant has not been reported in the literature in individuals affected with ABCC6-related conditions. ClinVar contains an entry for this variant (Variation ID: 1351137). Advanced modeling of protein sequence and biophysical properties (such as structural, functional, and spatial information, amino acid conservation, physicochemical variation, residue mobility, and thermodynamic stability) performed at Invitae indicates that this missense variant is not expected to disrupt ABCC6 protein function.

NM_001171.6(ABCC6):c.3121A>G (p.Ile1041Val)

Gene: ABCC6 (ATP binding cassette subfamily C member 6; minus strand). Cytogenetic location: 16p13.11.
Variant type: single nucleotide variant.
Coding change: c.3121A>G on transcript NM_001171.6 (MANE Select); coding-DNA position 3121, A replaced by G.
Protein change: p.Ile1041Val; replaces isoleucine 1041 with valine.
Molecular consequence: missense variant. On other transcripts: non-coding transcript variant (1).
Genome position (GRCh38, 1-based): chr16:16,165,808, T>C on the plus strand (A>G on the coding strand, the complement: ABCC6 is on the minus strand). VCF-style: chr16-16165808-T-C. GRCh37 (hg19) VCF-style: chr16-16259665-T-C.
Other names: c.2779A>G, p.Ile927Val (NM_001351800.1); short protein forms I927V, I1041V.
Identifiers: ClinVar variation 1351137 (VCV001351137.8), dbSNP rs772632852, ClinGen allele CA7925683.